The following is an entry in ClinVar:

NM_018344.6(SLC29A3):c.973G>A (p.Ala325Thr)

Gene: SLC29A3 (solute carrier family 29 member 3; plus strand). Cytogenetic location: 10q22.1.
Variant type: single nucleotide variant.
Coding change: c.973G>A on transcript NM_018344.6 (MANE Select); coding-DNA position 973, G replaced by A.
Protein change: p.Ala325Thr; replaces alanine 325 with threonine.
Molecular consequence: missense variant. On other transcripts: 3 prime UTR variant (1), non-coding transcript variant (2).
Genome position (GRCh38, 1-based): chr10:71,362,153, G>A. VCF-style: chr10-71362153-G-A. GRCh37 (hg19) VCF-style: chr10-73121910-G-A.
Other names: c.*202G>A (NM_001174098.2); c.739G>A, p.Ala247Thr (NM_001363518.2); short protein forms A325T, A247T.
Identifiers: ClinVar variation 536250 (VCV000536250.6), dbSNP rs144183340, ClinGen allele CA5543098.

ClinVar aggregate classification (germline): Uncertain significance (1 of 4 stars; one submission).

Conditions:
H syndrome. Also called: Pigmented hypertrichosis and insulin-dependent diabetes mellitus; Histiocytosis with joint contractures and sensorineural deafness; HISTIOCYTOSIS AND LYMPHADENOPATHY WITH OR WITHOUT CUTANEOUS, CARDIAC, AND/OR ENDOCRINE FEATURES, JOINT CONTRACTURES, AND/OR DEAFNESS; HYPERPIGMENTATION, CUTANEOUS, WITH HYPERTRICHOSIS, HEPATOSPLENOMEGALY, HEART ANOMALIES, AND HYPOGONADISM WITH OR WITHOUT HEARING LOSS; PIGMENTED HYPERTRICHOSIS WITH INSULIN-DEPENDENT DIABETES MELLITUS; ROSAI-DORFMAN DISEASE, FAMILIAL. Identifiers: Orphanet 168569, MedGen C1864445, MONDO:0011273, OMIM 602782.

Allele frequency attached by ClinVar (database versions not stated): ExAC 0.00001; gnomAD exomes 0.00004; TOPMed 0.00004; ESP Exome Variant Server 0.00008; gnomAD 0.00013.
gnomAD v4.1: 39 of 1,613,790 alleles (0.0024%); highest among the groups gnomAD compares: South Asian, 0.0033%; no homozygotes.

Submission:

Labcorp Genetics (formerly Invitae), Labcorp
Classification: Uncertain significance for H syndrome. Last evaluated: 2022-03-20. Review status: criteria provided, single submitter. Criteria: Invitae Variant Classification Sherloc (09022015). Collection method: clinical testing. Allele origin: germline.
Comment: This sequence change replaces alanine, which is neutral and non-polar, with threonine, which is neutral and polar, at codon 325 of the SLC29A3 protein (p.Ala325Thr). This variant is present in population databases (rs144183340, gnomAD 0.008%). This variant has not been reported in the literature in individuals affected with SLC29A3-related conditions. ClinVar contains an entry for this variant (Variation ID: 536250). Algorithms developed to predict the effect of missense changes on protein structure and function are either unavailable or do not agree on the potential impact of this missense change (SIFT: "Tolerated"; PolyPhen-2: "Possibly Damaging"; Align-GVGD: "Class C0"). In summary, the available evidence is currently insufficient to determine the role of this variant in disease. Therefore, it has been classified as a Variant of Uncertain Significance.